The following is an entry in ClinVar:

NM_000503.6(EYA1):c.1597+6C>G

Gene: EYA1 (EYA transcriptional coactivator and phosphatase 1; minus strand). Cytogenetic location: 8q13.3.
Variant type: single nucleotide variant.
Coding change: c.1597+6C>G on transcript NM_000503.6 (MANE Select); 6 bases into the intron after coding-DNA position 1597, C replaced by G.
Molecular consequence: intron variant.
Genome position (GRCh38, 1-based): chr8:71,215,381, G>C on the plus strand (C>G on the coding strand, the complement: EYA1 is on the minus strand). VCF-style: chr8-71215381-G-C. GRCh37 (hg19) VCF-style: chr8-72127616-G-C.
Other names: c.1576+6C>G (NM_001370336.1); c.1684+6C>G (NM_001370333.1); c.1597+6C>G (NM_001370335.1, NM_001370334.1, NM_172058.4); c.1579+6C>G (NM_172059.5, NM_001288574.2); c.1498+6C>G (NM_001411797.1, NM_172060.4); c.1231+6C>G (NM_001288575.2).
Identifiers: ClinVar variation 3356625 (VCV003356625.2).

ClinVar aggregate classification (germline): Likely benign. Review status: criteria provided, single submitter (1 of 4 stars). 2 submissions from 2 submitters: Likely benign (1). 1 of the submissions does not count toward it. Last evaluated 2023-09-05.

Conditions:
EYA1-related disorder. Also called: EYA1-related condition.

gnomAD v4.1: 4 of 1,611,354 alleles (0.00025%); highest among the groups gnomAD compares: Admixed American, 0.005%; no homozygotes.

Submissions (2):

Blueprint Genetics
Classification: Likely benign. Last evaluated: 2023-09-05. Review status: criteria provided, single submitter. Criteria: ACMG Guidelines, 2015. Collection method: clinical testing. Allele origin: germline.

PreventionGenetics, part of Exact Sciences
Classification: Likely benign for EYA1-related condition. Last evaluated: 2023-06-06. Review status: no assertion criteria provided. Collection method: clinical testing. Allele origin: germline. Not counted in ClinVar's aggregate classification.
Comment: This variant is classified as likely benign based on ACMG/AMP sequence variant interpretation guidelines (Richards et al. 2015 PMID: 25741868, with internal and published modifications).